The following is an entry in ClinVar:

NM_022041.4(GAN):c.1494del (p.Glu498fs)

Gene: GAN (gigaxonin; plus strand). Cytogenetic location: 16q23.2.
Variant type: Deletion.
Coding change: c.1494del on transcript NM_022041.4 (MANE Select); coding-DNA position 1494, one base deleted (G; older notation c.1494delG).
Protein change: p.Glu498fs; shifts the reading frame from glutamic acid 498.
Molecular consequence: frameshift variant.
Genome position (GRCh38, 1-based): chr16:81,365,470, G deleted. VCF-style (leftmost placement, unchanged base first): chr16-81365469-AG-A. GRCh37 (hg19) VCF-style: chr16-81399074-AG-A.
Other names: c.855del, p.Glu285fs (NM_001377486.1); short protein forms E285fs, E498fs.
Identifiers: ClinVar variation 3701765 (VCV003701765.2).

ClinVar aggregate classification (germline): Pathogenic (1 of 4 stars; one submission).

Conditions:
Giant axonal neuropathy 1 (GAN1). Also called: GIANT AXONAL NEUROPATHY 1, AUTOSOMAL RECESSIVE; GAN-Related Neurodegeneration. Identifiers: Orphanet 643, MedGen C1850386, MONDO:0009749, OMIM 256850.

Submission:

Labcorp Genetics (formerly Invitae), Labcorp
Classification: Pathogenic for Giant axonal neuropathy 1. Last evaluated: 2024-12-24. Review status: criteria provided, single submitter. Criteria: Invitae Variant Classification Sherloc (09022015). Collection method: clinical testing. Allele origin: germline.
Comment: This sequence change creates a premature translational stop signal (p.Glu498Aspfs*28) in the GAN gene. While this is not anticipated to result in nonsense mediated decay, it is expected to disrupt the last 100 amino acid(s) of the GAN protein. This variant is not present in population databases (gnomAD no frequency). This variant has not been reported in the literature in individuals affected with GAN-related conditions. This variant disrupts a region of the GAN protein in which other variant(s) (p.Arg545His) have been determined to be pathogenic (PMID: 17587580, 19295179, 23248352, 30246730). This suggests that this is a clinically significant region of the protein, and that variants that disrupt it are likely to be disease-causing. For these reasons, this variant has been classified as Pathogenic.

Literature cited by the submitters: PubMed 17587580; PubMed 19295179; PubMed 23248352; PubMed 30246730.